The following is an entry in ClinVar:

NM_000038.6(APC):c.154C>T (p.Gln52Ter)

Gene: APC (APC regulator of Wnt signaling pathway; plus strand). Cytogenetic location: 5q22.2.
Variant type: single nucleotide variant.
Coding change: c.154C>T on transcript NM_000038.6 (MANE Select); coding-DNA position 154, C replaced by T.
Protein change: p.Gln52Ter; replaces glutamine 52 with a stop codon.
Molecular consequence: nonsense. On other transcripts: 5 prime UTR variant (4).
Genome position (GRCh38, 1-based): chr5:112,766,344, C>T. VCF-style: chr5-112766344-C-T. GRCh37 (hg19) VCF-style: chr5-112102041-C-T.
Other names: c.154C>T, p.Gln52Ter (NM_001127510.3, NM_001354895.2, NM_001354896.2 and 2 more transcripts); c.184C>T, p.Gln62Ter (NM_001127511.3, NM_001354897.2, NM_001354902.2); c.79C>T, p.Gln27Ter (NM_001354898.2, NM_001354904.2); c.-24C>T (NM_001354900.2, NM_001354901.2, NM_001354905.2); c.-882C>T (NM_001354906.2); short protein forms Q52*, Q62*, Q27*.
Identifiers: ClinVar variation 490213 (VCV000490213.9), dbSNP rs786202584, ClinGen allele CA16021682.

ClinVar aggregate classification (germline): Pathogenic. Review status: criteria provided, multiple submitters, no conflicts (2 of 4 stars). 4 submissions from 4 submitters: Pathogenic (4). Last evaluated 2025-01-30.

Conditions:
Familial adenomatous polyposis 1 (FAP1). Also called: POLYPOSIS, ADENOMATOUS INTESTINAL; FAMILIAL ADENOMATOUS POLYPOSIS 1, ATTENUATED. Identifiers: MedGen C2713442, MONDO:0021056, OMIM 175100. Disease mechanism: loss of function.
Hereditary cancer-predisposing syndrome. Also called: Hereditary Cancer Syndrome; Neoplastic Syndromes, Hereditary; Tumor predisposition; Hereditary neoplastic syndrome. Identifiers: Orphanet 140162, MedGen C0027672, MeSH D009386, MONDO:0015356.

Allele frequency attached by ClinVar (database versions not stated): gnomAD exomes below 0.00001.
gnomAD v4.1: 1 of 1,607,620 alleles (0.000062%); highest among the groups gnomAD compares: Non-Finnish European, 0.000085%; no homozygotes.

Submissions (4):

Labcorp Genetics (formerly Invitae), Labcorp
Classification: Pathogenic for Familial adenomatous polyposis 1. Last evaluated: 2025-01-30. Review status: criteria provided, single submitter. Criteria: Invitae Variant Classification Sherloc (09022015). Collection method: clinical testing. Allele origin: germline.
Comment: This sequence change creates a premature translational stop signal (p.Gln52*) in the APC gene. It is expected to result in an absent or disrupted protein product. Loss-of-function variants in APC are known to be pathogenic (PMID: 17963004, 20685668). This variant is not present in population databases (gnomAD no frequency). This variant has not been reported in the literature in individuals affected with APC-related conditions. ClinVar contains an entry for this variant (Variation ID: 490213). For these reasons, this variant has been classified as Pathogenic.

Ambry Genetics
Classification: Pathogenic for Hereditary cancer-predisposing syndrome. Last evaluated: 2023-09-20. Review status: criteria provided, single submitter. Criteria: Ambry Variant Classification Scheme 2023. Collection method: clinical testing. Allele origin: germline.
Comment: The p.Q52* pathogenic mutation (also known as c.154C>T), located in coding exon 2 of the APC gene, results from a C to T substitution at nucleotide position 154. This changes the amino acid from a glutamine to a stop codon within coding exon 2. Premature termination codons are typically deleterious in nature. This alteration has been observed in at least one individual with a personal and/or family history that is consistent with APC-related disease (Ambry internal data). This variant is considered to be rare based on population cohorts in the Genome Aggregation Database (gnomAD). As such, this alteration is classified as a disease-causing mutation. However, alterations that result in premature termination in coding exon 2 are associated with an attenuated phenotype and may have reduced penetrance compared to classic familial adenomatous polyposis syndrome. Clinical correlation is advised.

Myriad Genetics, Inc.
Classification: Pathogenic for Familial adenomatous polyposis 1. Last evaluated: 2023-04-24. Review status: criteria provided, single submitter. Criteria: Myriad Autosomal Dominant, Autosomal Recessive and X-Linked Classification Criteria (2023). Collection method: clinical testing. Allele origin: unknown.
Comment: This variant is considered pathogenic. This variant creates a termination codon and is predicted to result in premature protein truncation.

Color Diagnostics, LLC DBA Color Health
Classification: Pathogenic for Hereditary cancer-predisposing syndrome. Last evaluated: 2020-03-02. Review status: criteria provided, single submitter. Criteria: ACMG Guidelines, 2015. Collection method: clinical testing. Allele origin: germline.
Comment: This variant changes 1 nucleotide in exon 3 of the APC gene, creating a premature translation stop signal. This variant is expected to result in an absent or non-functional protein product. To our knowledge, this variant has not been reported in individuals affected with hereditary cancer in the literature. This variant has not been identified in the general population by the Genome Aggregation Database (gnomAD). Loss of APC function is a known mechanism of disease. Based on the available evidence, this variant is classified as Pathogenic.

Literature cited by the submitters: PubMed 17963004 (cited by Labcorp Genetics (formerly Invitae), Labcorp); PubMed 20685668 (cited by Labcorp Genetics (formerly Invitae), Labcorp).